The following is an entry in ClinVar:

NM_020988.3(GNAO1):c.626G>A (p.Arg209His)

Gene: GNAO1 (G protein subunit alpha o1; plus strand). Cytogenetic location: 16q13.
Variant type: single nucleotide variant.
Coding change: c.626G>A on transcript NM_020988.3 (MANE Select); coding-DNA position 626, G replaced by A.
Protein change: p.Arg209His; replaces arginine 209 with histidine.
Molecular consequence: missense variant.
Genome position (GRCh38, 1-based): chr16:56,336,763, G>A. VCF-style: chr16-56336763-G-A. GRCh37 (hg19) VCF-style: chr16-56370675-G-A.
Other names: c.626G>A, p.Arg209His (NM_138736.3); short protein forms R209H.
Identifiers: ClinVar variation 208677 (VCV000208677.26), dbSNP rs797044878, ClinGen allele CA204658.

ClinVar aggregate classification (germline): Pathogenic. Review status: criteria provided, multiple submitters, no conflicts (2 of 4 stars). 9 submissions from 9 submitters: Pathogenic (8). 1 of the submissions does not count toward it. Last evaluated 2025-01-28.

Conditions:
Early-infantile DEE. Also called: Ohtahara syndrome; Early infantile epileptic encephalopathy; Early infantile epileptic encephalopathy with suppression bursts. Identifiers: Orphanet 1934, MedGen C0393706, MONDO:0800491.
GNAO1-related disorder. Also called: GNAO1-Related Disorders; GNAO1-related condition. Identifiers: MedGen CN381308.
Neurodevelopmental disorder with involuntary movements (NEDIM). Identifiers: Orphanet 592564, MedGen C4479569, MONDO:0060491, OMIM 617493.
Inborn genetic diseases. Identifiers: MedGen C0950123, MeSH D030342.
Developmental and epileptic encephalopathy, 17 (DEE17). Also called: Early infantile epileptic encephalopathy 17. Identifiers: Orphanet 1934, MedGen C3809606, MONDO:0014199, OMIM 615473.

Submissions (9):

Victorian Clinical Genetics Services, Murdoch Childrens Research Institute
Classification: Pathogenic for Neurodevelopmental disorder with involuntary movements. Last evaluated: 2025-01-28. Review status: criteria provided, single submitter. Criteria: ACMG Guidelines, 2015. Collection method: clinical testing. Allele origin: germline. Affected: yes.
Comment: This variant is classified as Pathogenic. Evidence in support of pathogenic classification: Variant is absent from gnomAD (v2, v3 and v4); This variant has strong previous evidence of pathogenicity in unrelated individuals. This variant has been classified as pathogenic by clinical laboratories in ClinVar, and reported in the literature in individuals with movement disorders, hypotonia and developmental delay (PMID: 26060304, 27625011, 30838255, 27068059); Variant is located in a hotspot region or cluster of PATHOGENIC variants (DECIPHER, ClinVar, PMID: 30682224); Missense variant predicted to be damaging by in silico tool(s) or highly conserved with a major amino acid change; Additional information: Variant is predicted to result in a missense amino acid change from arginine to histidine; This variant is heterozygous; This gene is associated with autosomal dominant disease; Both loss of function and gain of function are known mechanisms of disease for this gene. Loss of function variants are found throughout the protein, and result in developmental and epileptic encephalopathy 17 (MIM#615473). Gain of function variants cluster near amino acid 184 and within the RGS binding domain, causing a neurodevelopmental disorder with involuntary movements (MIM#617493) (PMID: 28747448, OMIM).

Labcorp Genetics (formerly Invitae), Labcorp
Classification: Pathogenic for Early-infantile DEE. Last evaluated: 2024-07-22. Review status: criteria provided, single submitter. Criteria: Invitae Variant Classification Sherloc (09022015). Collection method: clinical testing. Allele origin: germline.
Comment: This sequence change replaces arginine, which is basic and polar, with histidine, which is basic and polar, at codon 209 of the GNAO1 protein (p.Arg209His). This variant is not present in population databases (gnomAD no frequency). This missense change has been observed in individual(s) with neurodevelopmental disorder with involuntary movements (NEDIM) (PMID: 26060304, 27068059, 27625011). In at least one individual the variant was observed to be de novo. ClinVar contains an entry for this variant (Variation ID: 208677). Advanced modeling of protein sequence and biophysical properties (such as structural, functional, and spatial information, amino acid conservation, physicochemical variation, residue mobility, and thermodynamic stability) performed at Invitae indicates that this missense variant is expected to disrupt GNAO1 protein function with a positive predictive value of 95%. This variant disrupts the p.Arg209 amino acid residue in GNAO1. Other variant(s) that disrupt this residue have been determined to be pathogenic (PMID: 25966631, 27625011, 27864847, 28357411, 28688840). This suggests that this residue is clinically significant, and that variants that disrupt this residue are likely to be disease-causing. For these reasons, this variant has been classified as Pathogenic.

Institute of Human Genetics Munich, TUM University Hospital
Classification: Pathogenic for Neurodevelopmental disorder with involuntary movements. Last evaluated: 2023-12-01. Review status: criteria provided, single submitter. Criteria: Classification criteria August 2017. Collection method: clinical testing. Allele origin: germline. Inheritance: Autosomal dominant inheritance. Affected: yes. Observed: 1 variant allele.

GeneDx
Classification: Pathogenic. Last evaluated: 2022-12-08. Review status: criteria provided, single submitter. Criteria: GeneDx Variant Classification Process June 2021. Collection method: clinical testing. Allele origin: germline. Affected: yes.
Comment: Published functional studies demonstrate that R209H knock-in mice display similar phenotype to patients harboring this variant and respond to risperidone, an approved pharmacological agent (Larrivee et al., 2020); Not observed at significant frequency in large population cohorts (gnomAD); In silico analysis supports that this missense variant has a deleterious effect on protein structure/function; This variant is associated with the following publications: (PMID: 31907305, 26060304, 27625011, 27068059, 30682224, 33298085, 33084218, 33098801, 33258288, 28688840, 28357411, 27864847, 25966631, 28747448, 30838255, 33619735)

3billion
Classification: Pathogenic for Neurodevelopmental disorder with involuntary movements. Last evaluated: 2022-01-03. Review status: criteria provided, single submitter. Criteria: ACMG Guidelines, 2015. Collection method: clinical testing. Allele origin: germline. Affected: yes. Observed: 1 heterozygote.
Comment: The variant has been previously reported as de novo in a similarly affected individual (PMID: 27068059, PS2_S). Same nucleotide change resulting in same amino acid change has been previously reported as pathogenic/likely pathogenic with strong evidence (ClinVar ID: VCV000208677, PS1_S). A different missense change at the same codon has been reported as pathogenic/likely pathogenic with strong evidence (ClinVar ID: VCV000265350,VCV000431699, PM5_M). In silico tool predictions suggest damaging effect of the variant on gene or gene product (REVEL: 0.914, 3CNET: 0.917, PP3_P). A missense variant is a common mechanism associated with Neurodevelopmental disorder with involuntary movements (PP2_P). It is not observed in the gnomAD v2.1.1 dataset (PM2_M). Therefore, this variant is classified as pathogenic according to the recommendation of ACMG/AMP guideline.

Revvity Omics, Revvity
Classification: Pathogenic. Last evaluated: 2021-06-14. Review status: criteria provided, single submitter. Criteria: ACMG Guidelines, 2015. Collection method: clinical testing. Allele origin: germline.

Blueprint Genetics
Classification: Pathogenic for GNAO1-related disorders. Last evaluated: 2020-12-16. Review status: criteria provided, single submitter. Criteria: ACMG Guidelines, 2015. Collection method: clinical testing. Allele origin: germline. Affected: yes. Observed: 2 variant alleles.

Ambry Genetics
Classification: Pathogenic for Inborn genetic diseases. Last evaluated: 2016-06-06. Review status: criteria provided, single submitter. Criteria: Ambry exome assertion method (8-5-2015). Collection method: clinical testing. Allele origin: germline. Affected: yes. Observed: 2 variant alleles.

OMIM
Classification: Pathogenic for NEURODEVELOPMENTAL DISORDER WITH INVOLUNTARY MOVEMENTS. Last evaluated: 2017-06-02. Review status: no assertion criteria provided. Collection method: literature only. Allele origin: germline. Not counted in ClinVar's aggregate classification.

Literature cited by the submitters: PubMed 28747448 (cited by Victorian Clinical Genetics Services, Murdoch Childrens Research Institute); PubMed 27625011 (cited by 3 submitters); PubMed 27068059 (cited by 4 submitters); PubMed 30838255 (cited by Victorian Clinical Genetics Services, Murdoch Childrens Research Institute); PubMed 26060304 (cited by 3 submitters); PubMed 30682224 (cited by Victorian Clinical Genetics Services, Murdoch Childrens Research Institute); PubMed 25966631 (cited by Labcorp Genetics (formerly Invitae), Labcorp); PubMed 27864847 (cited by Labcorp Genetics (formerly Invitae), Labcorp); PubMed 28357411 (cited by Labcorp Genetics (formerly Invitae), Labcorp); PubMed 28688840 (cited by Labcorp Genetics (formerly Invitae), Labcorp).